The following is an entry in ClinVar:

NM_145725.3(TRAF3):c.583A>G (p.Thr195Ala)

Genes: TRAF3 (TNF receptor associated factor 3; plus strand), LOC126862065 (BRD4-independent group 4 enhancer GRCh37_chr14:103352003-103353202; plus strand). Cytogenetic location: 14q32.32.
Variant type: single nucleotide variant.
Coding change: c.583A>G on transcript NM_145725.3 (MANE Select); coding-DNA position 583, A replaced by G.
Protein change: p.Thr195Ala; replaces threonine 195 with alanine.
Molecular consequence: missense variant. On other transcripts: intron variant (2).
Genome position (GRCh38, 1-based): chr14:102,886,201, A>G. VCF-style: chr14-102886201-A-G. GRCh37 (hg19) VCF-style: chr14-103352538-A-G.
Other names: c.583A>G, p.Thr195Ala (NM_001385142.1, NM_003300.4, NM_145726.3); c.571-3359A>G (NM_001385143.1); c.570+9676A>G (NM_001199427.2); short protein forms T195A.
Identifiers: ClinVar variation 4882940 (VCV004882940.2).

ClinVar aggregate classification (germline): Uncertain significance (1 of 4 stars; one submission).

Conditions:
Immunodeficiency 132b. Identifiers: MedGen C6012695, OMIM 621096, MONDO:0976228.

gnomAD v4.1: 1 of 1,613,144 alleles (0.000062%); highest among the groups gnomAD compares: Non-Finnish European, 0.000085%; no homozygotes.

Submission:

Dasa
Classification: Uncertain significance for Immunodeficiency 132b. Last evaluated: 2025-11-21. Review status: criteria provided, single submitter. Criteria: DASA Assertion Criteria. Collection method: clinical testing. Allele origin: germline.
Comment: NM_145725.3(TRAF3):c.583A>G (p.Thr195Ala) is a missense variant that results in the substitution of threonine with alanine. This variant is rare in population databases. Computational prediction algorithms are consistent with a benign effect. The currently available literature and clinical evidence are not sufficient to establish a definitive association between this variant and the reported condition. Therefore, this variant is classified as a variant of uncertain significance.